The following is an entry in ClinVar:

NM_000492.4(CFTR):c.744-33GATT[6]

Gene: CFTR (CF transmembrane conductance regulator; plus strand). Cytogenetic location: 7q31.2.
Variant type: Microsatellite.
Coding change: c.744-33GATT[6] on transcript NM_000492.4 (MANE Select); six copies in a row of the 4-base unit GATT starting at c.744-33; the reference has seven copies in a row; one copy, 4 bases deleted.
Molecular consequence: intron variant.
Genome position (GRCh38, 1-based): chr7:117,536,539-117,536,542, GATT deleted; deleting any 4 consecutive bases within chr7:117,536,515-117,536,542 gives the same sequence; the position shown is the placement nearest the transcript's 3' end. VCF-style (leftmost placement, unchanged base first): chr7-117536514-AGATT-A. GRCh37 (hg19) VCF-style: chr7-117176568-AGATT-A.
Other names: p.?; c.744-9_744-6del (NM_000492.4, NM_000492.3); c.744-9_744-6delGATT (NM_000492.3).
Identifiers: ClinVar variation 43579 (VCV000043579.30), dbSNP rs1805171, ClinGen allele CA132754.

ClinVar aggregate classification (germline): Benign. Review status: criteria provided, multiple submitters, no conflicts (2 of 4 stars). 9 submissions from 9 submitters: Benign (8). 1 of the submissions does not count toward it. Last evaluated 2025-08-12.

Conditions:
CFTR-related disorder (CFTR-RD). Also called: CFTR-related disorders; CFTR-related condition. Identifiers: MedGen C5924204, MONDO:7770004.
Cystic fibrosis (CF). Also called: MUCOVISCIDOSIS. Identifiers: Orphanet 586, MedGen C0010674, MONDO:0009061, OMIM 219700. Disease mechanism: loss of function.

Submissions (12):

Johns Hopkins Genomics, Johns Hopkins University
Classification: Benign for Cystic fibrosis. Last evaluated: 2025-08-12. Review status: criteria provided, single submitter. Criteria: ACMG Guidelines, 2015. Collection method: clinical testing. Allele origin: germline.
Comment: This variant is classified as benign (This variant is classified as benign (BA1).

ARUP Laboratories, Molecular Genetics and Genomics, ARUP Laboratories
Classification: Benign. Last evaluated: 2025-07-31. Review status: criteria provided, single submitter. Criteria: ARUP Molecular Germline Variant Investigation Process 2024. Collection method: clinical testing. Allele origin: germline.

Mayo Clinic Laboratories, Mayo Clinic
Classification: Benign. Last evaluated: 2022-05-05. Review status: criteria provided, single submitter. Criteria: ACMG Guidelines, 2015. Collection method: clinical testing. Allele origin: germline. Observed: 240 variant alleles.

GeneDx
Classification: Benign. Last evaluated: 2018-03-20. Review status: criteria provided, single submitter. Criteria: GeneDx Variant Classification Process June 2021. Collection method: clinical testing. Allele origin: germline. Affected: yes.

CFTR-France
Classification: Benign for cystic fibrosis. Last evaluated: 2018-01-29. Review status: criteria provided, single submitter. Criteria: Claustres M et al. (Hum Mutat 2017). Collection method: curation. Allele origin: germline. Affected: yes and no.
Comment: the variant does not result in CFTR-RD neither

Ambry Genetics
Classification: Benign for Cystic fibrosis. Last evaluated: 2014-11-19. Review status: criteria provided, single submitter. Criteria: Ambry Variant Classification Scheme 2023. Collection method: clinical testing. Allele origin: germline.

Laboratory for Molecular Medicine, Mass General Brigham Personalized Medicine
Classification: Benign. Last evaluated: 2011-10-20. Review status: criteria provided, single submitter. Criteria: LMM Criteria. Collection method: clinical testing. Allele origin: germline. Observed: 13 variant alleles.

PreventionGenetics, part of Exact Sciences
Classification: Benign. Review status: criteria provided, single submitter. Criteria: ACMG Guidelines, 2015. Collection method: clinical testing. Allele origin: germline.

Natera, Inc.
Classification: Benign for CFTR-related disorders. Last evaluated: 2017-05-15. Review status: no assertion criteria provided. Collection method: clinical testing. Allele origin: germline. Not counted in ClinVar's aggregate classification.

Dr. Peter K. Rogan Lab, Western University
No classification provided (evidence only). Condition: Cholangiocarcinoma. Review status: no classification provided. Collection method: in vitro. Allele origin: not applicable. Functional consequence: retained intron. Not counted in ClinVar's aggregate classification.

Dr. Peter K. Rogan Lab, Western University
No classification provided (evidence only). Condition: Malignant lymphoma, large B-cell, diffuse. Review status: no classification provided. Collection method: in vitro. Allele origin: not applicable. Functional consequence: retained intron. Not counted in ClinVar's aggregate classification.

Dr. Peter K. Rogan Lab, Western University
No classification provided (evidence only). Condition: Uterine corpus endometrial carcinoma. Review status: no classification provided. Collection method: in vitro. Allele origin: not applicable. Functional consequence: retained intron. Not counted in ClinVar's aggregate classification.

Literature cited by the submitters: PubMed 1990833 (cited by Laboratory for Molecular Medicine, Mass General Brigham Personalized Medicine); PubMed 11104661 (cited by Laboratory for Molecular Medicine, Mass General Brigham Personalized Medicine).